The following is an entry in ClinVar:

NM_005802.5(TOPORS):c.1797T>G (p.Ser599Arg)

Gene: TOPORS (TOP1 binding arginine/serine rich protein, E3 ubiquitin ligase; minus strand). Cytogenetic location: 9p21.1.
Variant type: single nucleotide variant.
Coding change: c.1797T>G on transcript NM_005802.5 (MANE Select); coding-DNA position 1797, T replaced by G.
Protein change: p.Ser599Arg; replaces serine 599 with arginine.
Molecular consequence: missense variant.
Genome position (GRCh38, 1-based): chr9:32,542,728, A>C on the plus strand (T>G on the coding strand, the complement: TOPORS is on the minus strand). VCF-style: chr9-32542728-A-C. GRCh37 (hg19) VCF-style: chr9-32542726-A-C.
Other names: c.1602T>G, p.Ser534Arg (NM_001195622.2); short protein forms S534R, S599R.
Identifiers: ClinVar variation 1008151 (VCV001008151.8), dbSNP rs1412971571, ClinGen allele CA373168138.

ClinVar aggregate classification (germline): Uncertain significance (1 of 4 stars; one submission).

Allele frequency attached by ClinVar (database versions not stated): gnomAD exomes below 0.00001; TOPMed 0.00001.
gnomAD v4.1: 6 of 1,613,944 alleles (0.00037%); highest among the groups gnomAD compares: Non-Finnish European, 0.00051%; no homozygotes.

Submission:

Labcorp Genetics (formerly Invitae), Labcorp
Classification: Uncertain significance. Last evaluated: 2020-03-26. Review status: criteria provided, single submitter. Criteria: Invitae Variant Classification Sherloc (09022015). Collection method: clinical testing. Allele origin: germline.
Comment: This sequence change replaces serine with arginine at codon 599 of the TOPORS protein (p.Ser599Arg). The serine residue is highly conserved and there is a moderate physicochemical difference between serine and arginine. This variant is not present in population databases (ExAC no frequency). This variant has not been reported in the literature in individuals with TOPORS-related conditions. Algorithms developed to predict the effect of sequence changes on RNA splicing suggest that this variant may create or strengthen a splice site, but this prediction has not been confirmed by published transcriptional studies. In summary, the available evidence is currently insufficient to determine the role of this variant in disease. Therefore, it has been classified as a Variant of Uncertain Significance.